The following is an entry in ClinVar:

NM_006180.6(NTRK2):c.370C>T (p.Arg124Ter)

Gene: NTRK2 (neurotrophic receptor tyrosine kinase 2; plus strand). Cytogenetic location: 9q21.33.
Variant type: single nucleotide variant.
Coding change: c.370C>T on transcript NM_006180.6 (MANE Select); coding-DNA position 370, C replaced by T.
Protein change: p.Arg124Ter; replaces arginine 124 with a stop codon.
Molecular consequence: nonsense. On other transcripts: 5 prime UTR variant (5).
Genome position (GRCh38, 1-based): chr9:84,707,854, C>T. VCF-style: chr9-84707854-C-T. GRCh37 (hg19) VCF-style: chr9-87322769-C-T.
Other names: c.370C>T, p.Arg124Ter (NM_001369534.1, NM_001369537.1, NM_001369538.1 and 18 more transcripts); c.-99C>T (NM_001369535.1, NM_001369536.1, NM_001369550.1 and 2 more transcripts); c.370C>T (NM_006180.4); short protein forms R124*.
Identifiers: ClinVar variation 1343173 (VCV001343173.8), dbSNP rs1229434307, ClinGen allele CA374005375.

ClinVar aggregate classification (germline): Conflicting classifications of pathogenicity. Review status: criteria provided, conflicting classifications (1 of 4 stars). 3 submissions from 3 submitters: Pathogenic (1); Uncertain significance (2). Last evaluated 2025-04-24.

Conditions:
NTRK2-related disorder. Also called: NTRK2-related condition.
Developmental disorder. Identifiers: MedGen C0008073.

gnomAD v4.1: 1 of 1,612,326 alleles (0.000062%); highest among the groups gnomAD compares: Non-Finnish European, 0.000085%; no homozygotes.

Submissions (3):

PreventionGenetics, part of Exact Sciences
Classification: Uncertain significance for NTRK2-related condition. Last evaluated: 2025-04-24. Review status: criteria provided, single submitter. Criteria: ACMG Guidelines, 2015. Collection method: clinical testing. Allele origin: germline.
Comment: The NTRK2 c.370C>T variant is predicted to result in premature protein termination (p.Arg124*). To our knowledge, this variant has not been reported in the literature or in a large population database (gnomAD), indicating this variant is rare. Loss of function is not an established mechanism of NTRK2-related disease. At this time, the clinical significance of this variant is uncertain due to the absence of conclusive functional and genetic evidence.

Labcorp Genetics (formerly Invitae), Labcorp
Classification: Pathogenic. Last evaluated: 2025-03-31. Review status: criteria provided, single submitter. Criteria: Invitae Variant Classification Sherloc (09022015). Collection method: clinical testing. Allele origin: germline.
Comment: This sequence change creates a premature translational stop signal (p.Arg124*) in the NTRK2 gene. It is expected to result in an absent or disrupted protein product. Loss-of-function variants in NTRK2 are known to be pathogenic (PMID: 23512795, 27884935). This variant is not present in population databases (gnomAD no frequency). This variant has not been reported in the literature in individuals affected with NTRK2-related conditions. ClinVar contains an entry for this variant (Variation ID: 1343173). For these reasons, this variant has been classified as Pathogenic.

Department of Genetics, Rouen University Hospital, Normandy Center for Genomic and Personalized Medicine
Classification: Uncertain significance for Developmental disorder. Last evaluated: 2021-02-18. Review status: criteria provided, single submitter. Criteria: ACMG Guidelines, 2015. Collection method: clinical testing. Allele origin: paternal. Affected: yes.

Literature cited by the submitters: PubMed 23512795 (cited by Labcorp Genetics (formerly Invitae), Labcorp); PubMed 27884935 (cited by Labcorp Genetics (formerly Invitae), Labcorp).